The following is an entry in ClinVar:

ClinVar aggregate classification (germline): Conflicting classifications of pathogenicity. Review status: criteria provided, conflicting classifications (1 of 4 stars). 3 submissions from 3 submitters: Uncertain significance (2); Likely benign (1). Last evaluated 2026-06-25.

Conditions:
STRA6-related disorder. Also called: STRA6-related condition.

Allele frequency attached by ClinVar (database versions not stated): TOPMed 0.00003; gnomAD 0.00004.
gnomAD v4.1: 51 of 1,601,974 alleles (0.0032%); highest among the groups gnomAD compares: East Asian, 0.058%; no homozygotes.

Submissions (3):

PreventionGenetics, part of Exact Sciences
Classification: Likely benign for STRA6-related condition. Last evaluated: 2026-06-25. Review status: criteria provided, single submitter. Criteria: ACMG Guidelines, 2015. Collection method: clinical testing. Allele origin: germline.
Comment: This variant is classified as likely benign based on ACMG/AMP sequence variant interpretation guidelines (Richards et al. 2015 PMID: 25741868, with internal and published modifications).

Blueprint Genetics
Classification: Uncertain significance. Last evaluated: 2023-04-25. Review status: criteria provided, single submitter. Criteria: ACMG Guidelines, 2015. Collection method: clinical testing. Allele origin: germline.

Eurofins Ntd Llc (ga)
Classification: Uncertain significance. Last evaluated: 2016-03-21. Review status: criteria provided, single submitter. Criteria: EGL Classification Definitions 2015. Collection method: clinical testing. Allele origin: germline. Observed: 1 variant allele, 1 heterozygote.

NM_022369.4(STRA6):c.1840+4C>T

Gene: STRA6 (signaling receptor and transporter of retinol STRA6; minus strand). Cytogenetic location: 15q24.1.
Variant type: single nucleotide variant.
Coding change: c.1840+4C>T on transcript NM_022369.4 (MANE Select); 4 bases into the intron after coding-DNA position 1840, C replaced by T.
Molecular consequence: intron variant.
Genome position (GRCh38, 1-based): chr15:74,180,778, G>A on the plus strand (C>T on the coding strand, the complement: STRA6 is on the minus strand). VCF-style: chr15-74180778-G-A. GRCh37 (hg19) VCF-style: chr15-74473119-G-A.
Other names: c.1951+4C>T (NM_001199040.2); c.1813+4C>T (NM_001142619.2); c.1840+4C>T (NM_001142617.2, NM_001142618.2, NM_022369.3); c.1885+4C>T (NM_001199041.2); c.1957+4C>T (NM_001199042.2).
Identifiers: ClinVar variation 287070 (VCV000287070.7), dbSNP rs778430773, ClinGen allele CA7654426.